The following is an entry in ClinVar:

ClinVar aggregate classification (germline): Uncertain significance (1 of 4 stars; one submission).

Submission:

Ambry Genetics
Classification: Uncertain significance. Last evaluated: 2024-02-20. Review status: criteria provided, single submitter. Criteria: Ambry Variant Classification Scheme 2023. Collection method: clinical testing. Allele origin: germline.
Comment: The p.R456G variant (also known as c.1366A>G), located in coding exon 13 of the KIF1B gene, results from an A to G substitution at nucleotide position 1366. The arginine at codon 456 is replaced by glycine, an amino acid with dissimilar properties. This amino acid position is conserved. In addition, the in silico prediction for this alteration is inconclusive. Based on the available evidence, the clinical significance of this alteration remains unclear.

NM_001365951.3(KIF1B):c.1504A>G (p.Arg502Gly)

Gene: KIF1B (kinesin family member 1B; plus strand). Cytogenetic location: 1p36.22.
Variant type: single nucleotide variant.
Coding change: c.1504A>G on transcript NM_001365951.3 (MANE Select); coding-DNA position 1504, A replaced by G.
Protein change: p.Arg502Gly; replaces arginine 502 with glycine.
Molecular consequence: missense variant.
Genome position (GRCh38, 1-based): chr1:10,291,151, A>G. VCF-style: chr1-10291151-A-G. GRCh37 (hg19) VCF-style: chr1-10351209-A-G.
Other names: c.1504A>G, p.Arg502Gly (NM_001365952.1); c.1366A>G, p.Arg456Gly (NM_001365953.1, NM_015074.3, NM_183416.4); short protein forms R456G, R502G.
Identifiers: ClinVar variation 3226350 (VCV003226350.1), dbSNP rs2521348549, ClinGen allele CA338313166.
Genomic context (GRCh38, chr1:10,291,151, plus strand): 5'-AAGATCATTGCTGAGTTGAATGAAACTTGGGAAGAGAAGCTTCGTAAAACAGAGGCCATC[A>G]GAATGGAGAGGTCAGGAGGTTAAAATCTGGAAATGTTTCTAAGTTTTCTAGGGGATGTGG-3'
Protein context (NP_001352880.1, residues 492-512): EEKLRKTEAI[Arg502Gly]MEREALLAEM